The following is an entry in ClinVar:

ClinVar aggregate classification (germline): Uncertain significance (1 of 4 stars; one submission).

Allele frequency attached by ClinVar (database versions not stated): gnomAD exomes below 0.00001; TOPMed below 0.00001; ExAC 0.00002.
gnomAD v4.1: 5 of 1,611,980 alleles (0.00031%); highest among the groups gnomAD compares: Admixed American, 0.005%; no homozygotes.

Submission:

Labcorp Genetics (formerly Invitae), Labcorp
Classification: Uncertain significance. Last evaluated: 2023-07-07. Review status: criteria provided, single submitter. Criteria: Invitae Variant Classification Sherloc (09022015). Collection method: clinical testing. Allele origin: germline.
Comment: In summary, the available evidence is currently insufficient to determine the role of this variant in disease. Therefore, it has been classified as a Variant of Uncertain Significance. Advanced modeling of protein sequence and biophysical properties (such as structural, functional, and spatial information, amino acid conservation, physicochemical variation, residue mobility, and thermodynamic stability) has been performed at Invitae for this missense variant, however the output from this modeling did not meet the statistical confidence thresholds required to predict the impact of this variant on TRPM1 protein function. ClinVar contains an entry for this variant (Variation ID: 1913516). This variant has not been reported in the literature in individuals affected with TRPM1-related conditions. The frequency data for this variant in the population databases is considered unreliable, as metrics indicate poor data quality at this position in the gnomAD database. This sequence change replaces arginine, which is basic and polar, with histidine, which is basic and polar, at codon 1181 of the TRPM1 protein (p.Arg1181His).

NM_001252024.2(TRPM1):c.3608G>A (p.Arg1203His)

Genes: TRPM1 (transient receptor potential cation channel subfamily M member 1; minus strand), LOC126862088 (BRD4-independent group 4 enhancer GRCh37_chr15:31318084-31319283; plus strand). Cytogenetic location: 15q13.3.
Variant type: single nucleotide variant.
Coding change: c.3608G>A on transcript NM_001252024.2 (MANE Select); coding-DNA position 3608, G replaced by A.
Protein change: p.Arg1203His; replaces arginine 1203 with histidine.
Molecular consequence: missense variant.
Genome position (GRCh38, 1-based): chr15:31,026,160, C>T on the plus strand (G>A on the coding strand, the complement: TRPM1 is on the minus strand). VCF-style: chr15-31026160-C-T. GRCh37 (hg19) VCF-style: chr15-31318363-C-T.
Other names: c.3659G>A, p.Arg1220His (NM_001252020.2); c.3542G>A, p.Arg1181His (NM_002420.6); short protein forms R1181H, R1220H, R1203H.
Identifiers: ClinVar variation 1913516 (VCV001913516.5), dbSNP rs766982197, ClinGen allele CA7451829.